The following is an entry in ClinVar:

ClinVar aggregate classification (germline): Conflicting classifications of pathogenicity. Review status: criteria provided, conflicting classifications (1 of 4 stars). 4 submissions from 4 submitters: Uncertain significance (1); Likely benign (2). 1 of the submissions does not count toward it. Last evaluated 2025-02-20.

Conditions:
MYLK-related disorder. Also called: MYLK-related condition.
Aortic aneurysm, familial thoracic 7 (AAT7). Also called: AORTIC DISSECTION, FAMILIAL, WITH OR WITHOUT AORTIC ANEURYSM. Identifiers: MedGen C3151077, MONDO:0013418, OMIM 613780.

Allele frequency attached by ClinVar (database versions not stated): TOPMed 0.00002; gnomAD 0.00006 and 0.00007; gnomAD exomes 0.00006 and 0.00008; ExAC 0.00012.
gnomAD v4.1: 93 of 1,613,138 alleles (0.0058%); highest among the groups gnomAD compares: Non-Finnish European, 0.0035%; no homozygotes.

Submissions (4):

Labcorp Genetics (formerly Invitae), Labcorp
Classification: Likely benign for Aortic aneurysm, familial thoracic 7. Last evaluated: 2025-02-20. Review status: criteria provided, single submitter. Criteria: Invitae Variant Classification Sherloc (09022015). Collection method: clinical testing. Allele origin: germline.

ARUP Laboratories, Molecular Genetics and Genomics, ARUP Laboratories
Classification: Likely benign. Last evaluated: 2023-06-19. Review status: criteria provided, single submitter. Criteria: ARUP Molecular Germline Variant Investigation Process 2024. Collection method: clinical testing. Allele origin: germline.

Illumina Laboratory Services, Illumina
Classification: Uncertain significance for Aortic aneurysm, familial thoracic 7. Last evaluated: 2018-01-13. Review status: criteria provided, single submitter. Criteria: ICSL Variant Classification Criteria 13 December 2019. Collection method: clinical testing. Allele origin: germline.

PreventionGenetics, part of Exact Sciences
Classification: Likely benign for MYLK-related condition. Last evaluated: 2023-03-24. Review status: no assertion criteria provided. Collection method: clinical testing. Allele origin: germline. Not counted in ClinVar's aggregate classification.
Comment: This variant is classified as likely benign based on ACMG/AMP sequence variant interpretation guidelines (Richards et al. 2015 PMID: 25741868, with internal and published modifications).

NM_053025.4(MYLK):c.1651+7T>C

Gene: MYLK (myosin light chain kinase; minus strand). Cytogenetic location: 3q21.1.
Variant type: single nucleotide variant.
Coding change: c.1651+7T>C on transcript NM_053025.4 (MANE Select); 7 bases into the intron after coding-DNA position 1651, T replaced by C.
Molecular consequence: intron variant.
Genome position (GRCh38, 1-based): chr3:123,725,937, A>G on the plus strand (T>C on the coding strand, the complement: MYLK is on the minus strand). VCF-style: chr3-123725937-A-G. GRCh37 (hg19) VCF-style: chr3-123444784-A-G.
Other names: c.1444+7T>C (NM_053026.4, NM_053028.4); c.1651+7T>C (NM_053027.4); c.1123+7T>C (NM_001321309.2).
Identifiers: ClinVar variation 342895 (VCV000342895.18), dbSNP rs758327487, ClinGen allele CA067329.